The following is an entry in ClinVar:

ClinVar aggregate classification (germline): Likely pathogenic (1 of 4 stars; one submission).

Conditions:
Hypophosphatasia. Also called: Phosphoethanol-aminuria. Identifiers: Orphanet 436, MedGen C0020630, MeSH D007014, MONDO:0018570.

gnomAD v4.1: 1 of 1,614,196 alleles (0.000062%); highest among the groups gnomAD compares: Non-Finnish European, 0.000085%; no homozygotes.

Submission:

Genomenon, Inc
Classification: Likely pathogenic for Hypophosphatasia. Last evaluated: 2026-09-01. Review status: criteria provided, single submitter. Criteria: Genomenon Sequence Variant Interpretation Standards - Updated. Collection method: curation. Allele origin: germline. Affected: no.
Comment: ALPL p.Glu332Lys (c.994G>A) is a missense variant that changes the amino acid at codon 332 from Glutamic acid to Lysine. To our knowledge, this variant has not been reported in patients affected with an ALPL-related disorder in the published literature. At least one functional study has demonstrated a substantial alteration in protein function relative to the wild-type (PMID:32160374). This variant is located in a mutational hotspot and/or important functional domain. It is absent or not present at a significant frequency in gnomAD. In silico models predict that this variant is possibly or probably damaging. In conclusion, we classify ALPL p.Glu332Lys (c.994G>A) as a likely pathogenic variant.

Literature cited by the submitters: PubMed 32160374.

NM_000478.6(ALPL):c.994G>A (p.Glu332Lys)

Gene: ALPL (alkaline phosphatase, biomineralization associated; plus strand). Cytogenetic location: 1p36.12.
Variant type: single nucleotide variant.
Coding change: c.994G>A on transcript NM_000478.6 (MANE Select); coding-DNA position 994, G replaced by A.
Protein change: p.Glu332Lys; replaces glutamic acid 332 with lysine.
Molecular consequence: missense variant.
Genome position (GRCh38, 1-based): chr1:21,573,796, G>A. VCF-style: chr1-21573796-G-A. GRCh37 (hg19) VCF-style: chr1-21900289-G-A.
Other names: c.829G>A, p.Glu277Lys (NM_001127501.4); c.763G>A, p.Glu255Lys (NM_001177520.3); c.994G>A, p.Glu332Lys (NM_001369803.2, NM_001369804.2, NM_001369805.2); short protein forms E255K, E277K, E332K.
Identifiers: ClinVar variation 4974820 (VCV004974820.1).
Genomic context (GRCh38, chr1:21,573,796, plus strand): 5'-ATGGTGGTGGTGGCCATCCAGATCCTGCGGAAGAACCCCAAAGGCTTCTTCTTGCTGGTG[G>A]AAGGTAGGGACCCCGGGTCTGCTGAGAGGGGGCTGCTGGAAACACGGCCCTGGTGTCAGG-3'
Protein context (NP_000469.3, residues 322-342): KNPKGFFLLV[Glu332Lys]GGRIDHGHHE